The following is an entry in ClinVar:

NM_016032.4(ZDHHC9):c.58A>T (p.Arg20Trp)

Gene: ZDHHC9 (zinc finger DHHC-type palmitoyltransferase 9; minus strand). Cytogenetic location: Xq26.1.
Variant type: single nucleotide variant.
Coding change: c.58A>T on transcript NM_016032.4 (MANE Select); coding-DNA position 58, A replaced by T.
Protein change: p.Arg20Trp; replaces arginine 20 with tryptophan.
Molecular consequence: missense variant.
Genome position (GRCh38, 1-based): chrX:129,841,888, T>A on the plus strand (A>T on the coding strand, the complement: ZDHHC9 is on the minus strand). VCF-style: chrX-129841888-T-A. GRCh37 (hg19) VCF-style: chrX-128975864-T-A.
Other names: c.58A>T, p.Arg20Trp (NM_001008222.3); short protein forms R20W.
Identifiers: ClinVar variation 1305540 (VCV001305540.2), dbSNP rs2124141384, ClinGen allele CA414627206.

ClinVar aggregate classification (germline): Uncertain significance (1 of 4 stars; one submission).

Submission:

GeneDx
Classification: Uncertain significance. Last evaluated: 2019-05-11. Review status: criteria provided, single submitter. Criteria: GeneDx Variant Classification Process June 2021. Collection method: clinical testing. Allele origin: germline. Affected: yes.
Comment: Not observed in large population cohorts (Lek et al., 2016); In silico analysis, which includes protein predictors and evolutionary conservation, supports a deleterious effect; Has not been previously published as pathogenic or benign to our knowledge